The following is an entry in ClinVar:

ClinVar aggregate classification (germline): Conflicting classifications of pathogenicity. Review status: criteria provided, conflicting classifications (1 of 4 stars). 8 submissions from 8 submitters: Uncertain significance (7); Likely benign (1). Last evaluated 2025-12-27.

Conditions:
Inborn genetic diseases. Identifiers: MedGen C0950123, MeSH D030342.
Chromosome 2p16.3 deletion syndrome. Identifiers: MedGen C3808494, MONDO:0013696, OMIM 614332.
Pitt-Hopkins-like syndrome 2 (PTHSL2). Identifiers: Orphanet 221150, Orphanet 600663, MedGen C3280479, MONDO:0013690, OMIM 614325.
NRXN1-related disorder.

Allele frequency attached by ClinVar (database versions not stated): ESP Exome Variant Server 0.00008; gnomAD exomes 0.00012; ExAC 0.00017; TOPMed 0.00020; gnomAD 0.00025.
gnomAD v4.1: 545 of 1,612,522 alleles (0.034%); highest among the groups gnomAD compares: Non-Finnish European, 0.042%; no homozygotes.

Submissions (8):

Labcorp Genetics (formerly Invitae), Labcorp
Classification: Uncertain significance for Pitt-Hopkins-like syndrome 2. Last evaluated: 2025-12-27. Review status: criteria provided, single submitter. Criteria: Invitae Variant Classification Sherloc (09022015). Collection method: clinical testing. Allele origin: germline.
Comment: This sequence change replaces glutamine, which is neutral and polar, with histidine, which is basic and polar, at codon 770 of the NRXN1 protein (p.Gln770His). This variant is present in population databases (rs199978276, gnomAD 0.03%). This variant has not been reported in the literature in individuals affected with NRXN1-related conditions. ClinVar contains an entry for this variant (Variation ID: 206232). An algorithm developed to predict the effect of missense changes on protein structure and function (PolyPhen-2) suggests that this variant is likely to be disruptive. In summary, the available evidence is currently insufficient to determine the role of this variant in disease. Therefore, it has been classified as a Variant of Uncertain Significance.

PreventionGenetics, part of Exact Sciences
Classification: Uncertain significance for NRXN1-related condition. Last evaluated: 2025-01-15. Review status: criteria provided, single submitter. Criteria: ACMG Guidelines, 2015. Collection method: clinical testing. Allele origin: germline.
Comment: The NRXN1 c.2310G>T variant is predicted to result in the amino acid substitution p.Gln770His. This variant was reported as a variant of uncertain significance in a patient with a diagnostic pathogenic PACS2 variant (Supp. Data, Patient 9 in Olson et al. 2018. PubMed ID: 29656858). This variant is reported in 0.028% of alleles in individuals of European (non-Finnish) descent in gnomAD. Internal data at PreventionGenetics indicates that this variant is commonly found in cis with c.2156C>T. At this time, the clinical significance of this variant is uncertain due to the absence of conclusive functional and genetic evidence.

Blueprint Genetics
Classification: Uncertain significance. Last evaluated: 2024-07-24. Review status: criteria provided, single submitter. Criteria: ACMG Guidelines, 2015. Collection method: clinical testing. Allele origin: germline.

GeneDx
Classification: Likely benign. Last evaluated: 2020-12-23. Review status: criteria provided, single submitter. Criteria: GeneDx Variant Classification Process June 2021. Collection method: clinical testing. Allele origin: germline. Affected: yes.

Ambry Genetics
Classification: Uncertain significance for Inborn genetic diseases. Last evaluated: 2019-08-21. Review status: criteria provided, single submitter. Criteria: Ambry Variant Classification Scheme 2023. Collection method: clinical testing. Allele origin: germline.
Comment: The p.Q770H variant (also known as c.2310G>T), located in coding exon 11 of the NRXN1 gene, results from a G to T substitution at nucleotide position 2310. The glutamine at codon 770 is replaced by histidine, an amino acid with highly similar properties. This amino acid position is highly conserved in available vertebrate species. In addition, the in silico prediction for this alteration is inconclusive. Since supporting evidence is limited at this time, the clinical significance of this alteration remains unclear.

Fulgent Genetics
Classification: Uncertain significance for Pitt-Hopkins-like syndrome 2; Chromosome 2p16.3 deletion syndrome. Last evaluated: 2018-10-31. Review status: criteria provided, single submitter. Criteria: ACMG Guidelines, 2015. Collection method: clinical testing. Allele origin: unknown.

Genetic Services Laboratory, University of Chicago
Classification: Uncertain significance. Last evaluated: 2017-05-25. Review status: criteria provided, single submitter. Criteria: ACMG Guidelines, 2015. Collection method: clinical testing. Allele origin: germline. Affected: no.

Center for Genomics, Ann and Robert H. Lurie Children's Hospital of Chicago
Classification: Uncertain significance for Pitt-Hopkins-like syndrome 2; Chromosome 2p16.3 deletion syndrome. Review status: criteria provided, single submitter. Criteria: ACMG Guidelines, 2015. Collection method: clinical testing. Allele origin: germline.
Comment: This variant has not been reported in the literature but is present in the Genome Aggregation Database (Highest reported MAF 0.03% (21/68024). This variant is present in ClinVar (Variation ID:206232). Evolutionary conservation and computational predictive tools for this variant are unclear. In summary, data on this variant is insufficient for disease classification. Therefore, the clinical significance of this variant is uncertain.

NM_001330078.2(NRXN1):c.2190G>T (p.Gln730His)

Gene: NRXN1 (neurexin 1; minus strand). Cytogenetic location: 2p16.3.
Variant type: single nucleotide variant.
Coding change: c.2190G>T on transcript NM_001330078.2 (MANE Select); coding-DNA position 2190, G replaced by T.
Protein change: p.Gln730His; replaces glutamine 730 with histidine.
Molecular consequence: missense variant.
Genome position (GRCh38, 1-based): chr2:50,531,384, C>A on the plus strand (G>T on the coding strand, the complement: NRXN1 is on the minus strand). VCF-style: chr2-50531384-C-A. GRCh37 (hg19) VCF-style: chr2-50758522-C-A.
Other names: p.Q770H:CAG>CAT; c.2310G>T, p.Gln770His (NM_001135659.3); c.2166G>T, p.Gln722His (NM_001330077.2, NM_001330082.2, NM_001330095.2); c.2151G>T, p.Gln717His (NM_001330083.2, NM_001330084.2); c.2190G>T, p.Gln730His (NM_001330085.2, NM_001330086.2, NM_004801.6); c.2106G>T, p.Gln702His (NM_001330087.2, NM_001330096.2); c.2136G>T, p.Gln712His (NM_001330088.2); c.2187G>T, p.Gln729His (NM_001330093.2); and 2 more; short protein forms Q770H, Q730H, Q712H, Q717H, Q726H, Q729H, Q722H, Q702H.
Identifiers: ClinVar variation 206232 (VCV000206232.25), dbSNP rs199978276, ClinGen allele CA316113.